The following is an entry in ClinVar:

ClinVar aggregate classification (germline): Benign (1 of 4 stars; one submission).

Allele frequency attached by ClinVar (database versions not stated): 1000 Genomes Project 30x 0.22548; 1000 Genomes Project 0.22724; gnomAD 0.24034 and 0.24127; TOPMed 0.24079; gnomAD exomes 0.25140.
gnomAD v4.1: 278,773 of 1,115,008 alleles (25%); highest among the groups gnomAD compares: East Asian, 33%; 36,118 homozygotes.

Submission:

GeneDx
Classification: Benign. Last evaluated: 2018-06-15. Review status: criteria provided, single submitter. Criteria: GeneDx Variant Classification (06012015). Collection method: clinical testing. Allele origin: germline. Affected: yes.
Comment: This variant is considered likely benign or benign based on one or more of the following criteria: it is a conservative change, it occurs at a poorly conserved position in the protein, it is predicted to be benign by multiple in silico algorithms, and/or has population frequency not consistent with disease.

NM_001105206.3(LAMA4):c.5206+59C>A

Gene: LAMA4 (laminin subunit alpha 4; minus strand). Cytogenetic location: 6q21.
Variant type: single nucleotide variant.
Coding change: c.5206+59C>A on transcript NM_001105206.3 (MANE Select); 59 bases into the intron after coding-DNA position 5206, C replaced by A.
Molecular consequence: intron variant.
Genome position (GRCh38, 1-based): chr6:112,114,604, G>T on the plus strand (C>A on the coding strand, the complement: LAMA4 is on the minus strand). VCF-style: chr6-112114604-G-T. GRCh37 (hg19) VCF-style: chr6-112435807-G-T.
Other names: c.5185+59C>A (NM_002290.5, NM_001105207.3).
Identifiers: ClinVar variation 673048 (VCV000673048.1), dbSNP rs11969913, ClinGen allele CA15467079.
Genomic context (GRCh38, chr6:112,114,604, plus strand): 5'-TTCTTGGATACTTTTAGACTGTCATGCATTACCTATCATATAAGTGATAGCCTAAGTTCT[G>T]CCAGATCATAATCTTACAGTTGGGTGTGCAGGCTCCCCAGGGCAGTCAGTTTTCTCACCT-3'